The following is an entry in ClinVar:

ClinVar aggregate classification (germline): Likely benign. Review status: criteria provided, multiple submitters, no conflicts (2 of 4 stars). 2 submissions from 2 submitters: Likely benign (2). Last evaluated 2026-06-29.

Conditions:
ARHGEF10-related disorder. Also called: ARHGEF10-related condition.

Allele frequency attached by ClinVar (database versions not stated): ExAC 0.00004; TOPMed 0.00006; gnomAD 0.00007; ESP Exome Variant Server 0.00008; gnomAD exomes 0.00008; 1000 Genomes Project 30x 0.00016; 1000 Genomes Project 0.00020.
gnomAD v4.1: 122 of 1,614,144 alleles (0.0076%); highest among the groups gnomAD compares: Non-Finnish European, 0.0095%; no homozygotes.

Submissions (2):

PreventionGenetics, part of Exact Sciences
Classification: Likely benign for ARHGEF10-related condition. Last evaluated: 2026-06-29. Review status: criteria provided, single submitter. Criteria: ACMG Guidelines, 2015. Collection method: clinical testing. Allele origin: germline.
Comment: This variant is classified as likely benign based on ACMG/AMP sequence variant interpretation guidelines (Richards et al. 2015 PMID: 25741868, with internal and published modifications).

Labcorp Genetics (formerly Invitae), Labcorp
Classification: Likely benign. Last evaluated: 2022-06-02. Review status: criteria provided, single submitter. Criteria: Invitae Variant Classification Sherloc (09022015). Collection method: clinical testing. Allele origin: germline.

NM_014629.4(ARHGEF10):c.2781C>T (p.Asn927=)

Gene: ARHGEF10 (Rho guanine nucleotide exchange factor 10; plus strand). Cytogenetic location: 8p23.3.
Variant type: single nucleotide variant.
Coding change: c.2781C>T on transcript NM_014629.4 (MANE Select); coding-DNA position 2781, C replaced by T.
Protein change: p.Asn927=; no amino-acid change (asparagine 927 retained).
Molecular consequence: synonymous variant.
Genome position (GRCh38, 1-based): chr8:1,928,510, C>T. VCF-style: chr8-1928510-C-T. GRCh37 (hg19) VCF-style: chr8-1876676-C-T.
Other names: c.2781C>T (NM_014629.3); c.2667C>T, p.Asn889= (NM_001308152.2); c.2781C>T, p.Asn927= (NM_001308153.3).
Identifiers: ClinVar variation 2162664 (VCV002162664.5), dbSNP rs199838713, ClinGen allele CA4601066.